The following is an entry in ClinVar:

ClinVar aggregate classification (germline): Uncertain significance. Review status: criteria provided, multiple submitters, no conflicts (2 of 4 stars). 2 submissions from 2 submitters: Uncertain significance (2). Last evaluated 2024-01-19.

Conditions:
Inborn genetic diseases. Identifiers: MedGen C0950123, MeSH D030342.

Allele frequency attached by ClinVar (database versions not stated): gnomAD exomes below 0.00001; gnomAD 0.00002.
gnomAD v4.1: 4 of 1,613,052 alleles (0.00025%); highest among the groups gnomAD compares: Admixed American, 0.0017%; no homozygotes.

Submissions (2):

Ambry Genetics
Classification: Uncertain significance for Inborn genetic diseases. Last evaluated: 2024-01-19. Review status: criteria provided, single submitter. Criteria: Ambry Variant Classification Scheme 2023. Collection method: clinical testing. Allele origin: germline.

Labcorp Genetics (formerly Invitae), Labcorp
Classification: Uncertain significance. Last evaluated: 2022-05-28. Review status: criteria provided, single submitter. Criteria: Invitae Variant Classification Sherloc (09022015). Collection method: clinical testing. Allele origin: germline.
Comment: In summary, the available evidence is currently insufficient to determine the role of this variant in disease. Therefore, it has been classified as a Variant of Uncertain Significance. Algorithms developed to predict the effect of missense changes on protein structure and function are either unavailable or do not agree on the potential impact of this missense change (SIFT: "Deleterious"; PolyPhen-2: "Possibly Damaging"; Align-GVGD: "Class C0"). This variant has not been reported in the literature in individuals affected with TENM3-related conditions. This variant is not present in population databases (gnomAD no frequency). This sequence change replaces glutamic acid, which is acidic and polar, with lysine, which is basic and polar, at codon 987 of the TENM3 protein (p.Glu987Lys).

NM_001080477.4(TENM3):c.2959G>A (p.Glu987Lys)

Gene: TENM3 (teneurin transmembrane protein 3; plus strand). Cytogenetic location: 4q35.1.
Variant type: single nucleotide variant.
Coding change: c.2959G>A on transcript NM_001080477.4 (MANE Select); coding-DNA position 2959, G replaced by A.
Protein change: p.Glu987Lys; replaces glutamic acid 987 with lysine.
Molecular consequence: missense variant.
Genome position (GRCh38, 1-based): chr4:182,731,131, G>A. VCF-style: chr4-182731131-G-A. GRCh37 (hg19) VCF-style: chr4-183652284-G-A.
Other names: c.2959G>A (NM_001080477.1); c.2170G>A, p.Glu724Lys (NM_001415960.1); c.2143G>A, p.Glu715Lys (NM_001415961.1, NM_001415962.1, NM_001415963.1 and 1 more transcripts); c.2680G>A, p.Glu894Lys (NM_001415966.1, NM_001415967.1, NM_001415976.1 and 1 more transcripts); c.2959G>A, p.Glu987Lys (NM_001415968.1, NM_001415969.1, NM_001415970.1 and 4 more transcripts); short protein forms E715K, E724K, E894K, E987K.
Identifiers: ClinVar variation 2131383 (VCV002131383.5), dbSNP rs1397875171, ClinGen allele CA358834514.